The following is an entry in ClinVar:

NM_005422.4(TECTA):c.721G>A (p.Val241Ile)

Genes: TBCEL-TECTA (TBCEL-TECTA readthrough; plus strand), TECTA (tectorin alpha; plus strand). Cytogenetic location: 11q23.3.
Variant type: single nucleotide variant.
Coding change: c.721G>A on transcript NM_005422.4 (MANE Select); coding-DNA position 721, G replaced by A.
Protein change: p.Val241Ile; replaces valine 241 with isoleucine.
Molecular consequence: missense variant.
Genome position (GRCh38, 1-based): chr11:121,113,649, G>A. VCF-style: chr11-121113649-G-A. GRCh37 (hg19) VCF-style: chr11-120984358-G-A.
Other names: c.1678G>A, p.Val560Ile (NM_001378761.1); short protein forms V241I, V560I.
Identifiers: ClinVar variation 229308 (VCV000229308.7), dbSNP rs773034636, ClinGen allele CA6326581.

ClinVar aggregate classification (germline): Uncertain significance. Review status: criteria provided, multiple submitters, no conflicts (2 of 4 stars). 2 submissions from 2 submitters: Uncertain significance (2). Last evaluated 2024-07-08.

Allele frequency attached by ClinVar (database versions not stated): gnomAD exomes below 0.00001 and 0.00001; gnomAD 0.00001; TOPMed 0.00001; ExAC 0.00002.

Submissions (2):

Labcorp Genetics (formerly Invitae), Labcorp
Classification: Uncertain significance. Last evaluated: 2024-07-08. Review status: criteria provided, single submitter. Criteria: Invitae Variant Classification Sherloc (09022015). Collection method: clinical testing. Allele origin: germline.
Comment: This sequence change replaces valine, which is neutral and non-polar, with isoleucine, which is neutral and non-polar, at codon 241 of the TECTA protein (p.Val241Ile). This variant is present in population databases (rs773034636, gnomAD 0.003%). This variant has not been reported in the literature in individuals affected with TECTA-related conditions. ClinVar contains an entry for this variant (Variation ID: 229308). Advanced modeling of protein sequence and biophysical properties (such as structural, functional, and spatial information, amino acid conservation, physicochemical variation, residue mobility, and thermodynamic stability) performed at Invitae indicates that this missense variant is not expected to disrupt TECTA protein function with a negative predictive value of 95%. In summary, the available evidence is currently insufficient to determine the role of this variant in disease. Therefore, it has been classified as a Variant of Uncertain Significance.

Laboratory for Molecular Medicine, Mass General Brigham Personalized Medicine
Classification: Uncertain significance. Last evaluated: 2015-06-19. Review status: criteria provided, single submitter. Criteria: LMM Criteria. Collection method: clinical testing. Allele origin: germline. Observed: 1 variant allele.
Comment: Variant classified as Uncertain Significance - Favor Benign. The p.Val241Ile var iant in TECTA has not been previously reported in individuals with hearing loss, but has been identified in 1/16502 South Asian chromosomes by the Exome Aggrega tion Consortium (ExAC). Although this variant ha s been seen in the general population, its frequency is not high enough to rule out a pathogenic role. Valine (Val) at position 241 is conserved in mammals but not in evolutionarily distant species, and 10 bird and fish species carrying an isoleucine (Ile) at this position, raising the possibility that this change may be tolerated. Additional computational prediction tools suggest that this varian t may not impact the protein, though this information is not predictive enough t o rule out pathogenicity. In summary, while the clinical significance of the p.V al241Ile variant is uncertain, these data suggest that it is more likely to be b enign.